The following is an entry in ClinVar:

ClinVar aggregate classification (germline): Uncertain significance (1 of 4 stars; one submission).

Allele frequency attached by ClinVar (database versions not stated): TOPMed 0.00002.
gnomAD v4.1: 6 of 1,614,002 alleles (0.00037%); highest among the groups gnomAD compares: African/African-American, 0.0027%; no homozygotes.

Submission:

Labcorp Genetics (formerly Invitae), Labcorp
Classification: Uncertain significance. Last evaluated: 2021-09-02. Review status: criteria provided, single submitter. Criteria: Invitae Variant Classification Sherloc (09022015). Collection method: clinical testing. Allele origin: germline.
Comment: This sequence change replaces alanine with valine at codon 2620 of the SZT2 protein (p.Ala2620Val). The alanine residue is highly conserved and there is a small physicochemical difference between alanine and valine. This variant is not present in population databases (ExAC no frequency). This variant has not been reported in the literature in individuals affected with SZT2-related conditions. Algorithms developed to predict the effect of missense changes on protein structure and function are either unavailable or do not agree on the potential impact of this missense change (SIFT: "Tolerated"; PolyPhen-2: "Probably Damaging"; Align-GVGD: "Class C0"). In summary, the available evidence is currently insufficient to determine the role of this variant in disease. Therefore, it has been classified as a Variant of Uncertain Significance.

NM_001365999.1(SZT2):c.8030C>T (p.Ala2677Val)

Gene: SZT2 (SZT2 subunit of KICSTOR complex; plus strand). Cytogenetic location: 1p34.2.
Variant type: single nucleotide variant.
Coding change: c.8030C>T on transcript NM_001365999.1 (MANE Select); coding-DNA position 8030, C replaced by T.
Protein change: p.Ala2677Val; replaces alanine 2677 with valine.
Molecular consequence: missense variant.
Genome position (GRCh38, 1-based): chr1:43,442,497, C>T. VCF-style: chr1-43442497-C-T. GRCh37 (hg19) VCF-style: chr1-43908168-C-T.
Other names: c.7859C>T, p.Ala2620Val (NM_015284.4); short protein forms A2620V, A2677V.
Identifiers: ClinVar variation 1045463 (VCV001045463.6), dbSNP rs1419150670, ClinGen allele CA340037367.